The following is an entry in ClinVar:

NM_001040142.2(SCN2A):c.4691_4692del (p.Tyr1564fs)

Gene: SCN2A (sodium voltage-gated channel alpha subunit 2; plus strand). Cytogenetic location: 2q24.3.
Variant type: Deletion.
Coding change: c.4691_4692del on transcript NM_001040142.2 (MANE Select); coding-DNA positions 4691 to 4692, 2 bases deleted (AC; older notation c.4691_4692delAC).
Protein change: p.Tyr1564fs; shifts the reading frame from tyrosine 1564.
Molecular consequence: frameshift variant.
Genome position (GRCh38, 1-based): chr2:165,386,885-165,386,886, AC deleted. VCF-style (leftmost placement, unchanged base first): chr2-165386884-TAC-T. GRCh37 (hg19) VCF-style: chr2-166243394-TAC-T.
Other names: c.4691_4692delAC (NM_021007.2); c.4691_4692del, p.Tyr1564fs (NM_001040143.2, NM_001371246.1, NM_001371247.1 and 1 more transcripts); short protein forms Y1564fs.
Identifiers: ClinVar variation 503894 (VCV000503894.2), dbSNP rs1553463074, ClinGen allele CA658795941.

ClinVar aggregate classification (germline): Pathogenic (1 of 4 stars; one submission).

Submission:

GeneDx
Classification: Pathogenic. Last evaluated: 2017-12-07. Review status: criteria provided, single submitter. Criteria: GeneDx Variant Classification (06012015). Collection method: clinical testing. Allele origin: germline. Affected: yes.
Comment: The c.4691_4692delAC variant in the SCN2A gene has not been reported previously as a pathogenic variant nor as a benign variant, to our knowledge. The c.4691_4692delAC variant causes a frameshift starting with codon Tyrosine 1564, changes this amino acid to a Leucine residue, and creates a premature Stop codon at position 3 of the new reading frame, denoted p.Tyr1564LeufsX3. This variant is predicted to cause loss of normal protein function either through protein truncation or nonsense-mediated mRNA decay. The c.4691_4692delAC variant is not observed in large population cohorts (Lek et al., 2016).